The following is an entry in ClinVar:

NM_000369.5(TSHR):c.1465C>T (p.Gln489Ter)

Genes: TSHR (thyroid stimulating hormone receptor; plus strand), TSHR-AS1 (TSHR antisense RNA 1; minus strand). Cytogenetic location: 14q31.1.
Variant type: single nucleotide variant.
Coding change: c.1465C>T on transcript NM_000369.5 (MANE Select); coding-DNA position 1465, C replaced by T.
Protein change: p.Gln489Ter; replaces glutamine 489 with a stop codon.
Molecular consequence: nonsense.
Genome position (GRCh38, 1-based): chr14:81,143,523, C>T. VCF-style: chr14-81143523-C-T. GRCh37 (hg19) VCF-style: chr14-81609867-C-T.
Other names: short protein forms Q489*.
Identifiers: ClinVar variation 3576836 (VCV003576836.4).

ClinVar aggregate classification (germline): Conflicting classifications of pathogenicity. Review status: criteria provided, conflicting classifications (1 of 4 stars). 3 submissions from 3 submitters: Pathogenic (1); Likely pathogenic (1); Uncertain significance (1). Last evaluated 2026-04-02.

Conditions:
Hypothyroidism due to TSH receptor mutations. Also called: HYPOTHYROIDISM DUE TO UNRESPONSIVENESS TO THYROTROPIN; HYPOTHYROIDISM, CONGENITAL, DUE TO TSH RESISTANCE; HYPOTHYROIDISM, NONAUTOIMMUNE; THYROID-STIMULATING HORMONE, RESISTANCE TO; TSH RESISTANCE; Hypothyroidism, congenital, nongoitrous, 1. Identifiers: Orphanet 90673, MedGen C3493776, MONDO:0010142, OMIM 275200.
Familial gestational hyperthyroidism. Identifiers: Orphanet 99819, MedGen C1863959, MONDO:0011309, OMIM 603373.
Familial hyperthyroidism due to mutations in TSH receptor. Also called: HYPERTHYROIDISM, CONGENITAL NONAUTOIMMUNE; HYPERTHYROIDISM, NONAUTOIMMUNE, AUTOSOMAL DOMINANT; TOXIC THYROID HYPERPLASIA, AUTOSOMAL DOMINANT. Identifiers: Orphanet 424, MedGen C1836706, MONDO:0012203, OMIM 609152.

gnomAD v4.1: 41 of 1,613,598 alleles (0.0025%); highest among the groups gnomAD compares: Non-Finnish European, 0.0035%; no homozygotes.

Submissions (3):

GeneDx
Classification: Uncertain significance. Last evaluated: 2026-04-02. Review status: criteria provided, single submitter. Criteria: GeneDx Variant Classification Process June 2021. Collection method: clinical testing. Allele origin: germline.
Comment: Nonsense variant predicted to result in protein truncation, as the last 276 amino acid(s) are lost, and other loss-of-function variants have been reported downstream in HGMD; Has not been previously published as pathogenic or benign to our knowledge; This variant is associated with the following publications: (PMID: 35177841, 34200080)

Fulgent Genetics
Classification: Likely pathogenic for Hypothyroidism due to TSH receptor mutations; Familial gestational hyperthyroidism; Familial hyperthyroidism due to mutations in TSH receptor. Last evaluated: 2024-06-13. Review status: criteria provided, single submitter. Criteria: ACMG Guidelines, 2015. Collection method: clinical testing. Allele origin: germline.

Labcorp Genetics (formerly Invitae), Labcorp
Classification: Pathogenic. Last evaluated: 2024-02-23. Review status: criteria provided, single submitter. Criteria: Invitae Variant Classification Sherloc (09022015). Collection method: clinical testing. Allele origin: germline.
Comment: This sequence change creates a premature translational stop signal (p.Gln489*) in the TSHR gene. While this is not anticipated to result in nonsense mediated decay, it is expected to disrupt the last 276 amino acid(s) of the TSHR protein. This variant is present in population databases (rs765313051, gnomAD 0.0009%). This variant has not been reported in the literature in individuals affected with TSHR-related conditions. This variant disrupts a region of the TSHR protein in which other variant(s) (p.Trp546*) have been determined to be pathogenic (PMID: 8954020, 9100579, 12629076, 14725684). This suggests that this is a clinically significant region of the protein, and that variants that disrupt it are likely to be disease-causing. For these reasons, this variant has been classified as Pathogenic.

Literature cited by the submitters: PubMed 8954020 (cited by Labcorp Genetics (formerly Invitae), Labcorp); PubMed 9100579 (cited by Labcorp Genetics (formerly Invitae), Labcorp); PubMed 12629076 (cited by Labcorp Genetics (formerly Invitae), Labcorp); PubMed 14725684 (cited by Labcorp Genetics (formerly Invitae), Labcorp).